The following is an entry in ClinVar:

NM_024675.4(PALB2):c.2274C>G (p.Pro758=)

Gene: PALB2 (partner and localizer of BRCA2; minus strand). Cytogenetic location: 16p12.2.
Variant type: single nucleotide variant.
Coding change: c.2274C>G on transcript NM_024675.4 (MANE Select); coding-DNA position 2274, C replaced by G.
Protein change: p.Pro758=; no amino-acid change (proline 758 retained).
Molecular consequence: synonymous variant. On other transcripts: intron variant (1).
Genome position (GRCh38, 1-based): chr16:23,629,880, G>C on the plus strand (C>G on the coding strand, the complement: PALB2 is on the minus strand). VCF-style: chr16-23629880-G-C. GRCh37 (hg19) VCF-style: chr16-23641201-G-C.
Other names: c.2214C>G, p.Pro738= (NM_001407296.1); c.2274C>G, p.Pro758= (NM_001407297.1, NM_001407298.1, NM_001407299.1 and 3 more transcripts); c.1389C>G, p.Pro463= (NM_001407304.1, NM_001407305.1, NM_001407306.1 and 5 more transcripts); c.486C>G, p.Pro162= (NM_001407312.1, NM_001407313.1); c.49-605C>G (NM_001407314.1).
Identifiers: ClinVar variation 3903891 (VCV003903891.1).

ClinVar aggregate classification (germline): Benign (1 of 4 stars; one submission).

Conditions:
Familial cancer of breast. Also called: Hereditary breast cancer; hereditary breast carcinoma; BREAST CANCER, FAMILIAL. Identifiers: Orphanet 227535, MedGen C0346153, MONDO:0016419, OMIM 114480. Disease mechanism: loss of function.

Submission:

Myriad Genetics, Inc.
Classification: Benign for Familial cancer of breast. Last evaluated: 2025-01-15. Review status: criteria provided, single submitter. Criteria: Myriad Autosomal Dominant, Autosomal Recessive and X-Linked Classification Criteria (2023). Collection method: clinical testing. Allele origin: unknown.
Comment: This variant is considered benign. This variant is a silent/synonymous amino acid change and it is not expected to impact splicing.